The following is an entry in ClinVar:

ClinVar aggregate classification (germline): Uncertain significance. Review status: criteria provided, multiple submitters, no conflicts (2 of 4 stars). 3 submissions from 3 submitters: Uncertain significance (3). Last evaluated 2025-08-22.

Conditions:
Hereditary nonpolyposis colorectal neoplasms. Identifiers: MedGen C0009405, MeSH D003123.
Hereditary cancer-predisposing syndrome. Also called: Hereditary Cancer Syndrome; Hereditary neoplastic syndrome; Neoplastic Syndromes, Hereditary; Tumor predisposition. Identifiers: Orphanet 140162, MedGen C0027672, MeSH D009386, MONDO:0015356.

Submissions (3):

Color Diagnostics, LLC DBA Color Health
Classification: Uncertain significance for Hereditary cancer-predisposing syndrome. Last evaluated: 2025-08-22. Review status: criteria provided, single submitter. Criteria: ACMG Guidelines, 2015. Collection method: clinical testing. Allele origin: germline.
Comment: This missense variant replaces isoleucine with serine at codon 92 of the PMS2 protein. Computational prediction suggests that this variant may have deleterious impact on protein structure and function. To our knowledge, functional studies have not been reported for this variant. This variant has not been reported in individuals affected with PMS2-related disorders in the literature. This variant has not been identified in the general population by the Genome Aggregation Database (gnomAD). The available evidence is insufficient to determine the role of this variant in disease conclusively. Therefore, this variant is classified as a Variant of Uncertain Significance.

Labcorp Genetics (formerly Invitae), Labcorp
Classification: Uncertain significance for Hereditary nonpolyposis colorectal neoplasms. Last evaluated: 2024-06-18. Review status: criteria provided, single submitter. Criteria: Invitae Variant Classification Sherloc (09022015). Collection method: clinical testing. Allele origin: germline.
Comment: This sequence change replaces isoleucine, which is neutral and non-polar, with serine, which is neutral and polar, at codon 92 of the PMS2 protein (p.Ile92Ser). This variant is not present in population databases (gnomAD no frequency). This variant has not been reported in the literature in individuals affected with PMS2-related conditions. ClinVar contains an entry for this variant (Variation ID: 455708). Advanced modeling of protein sequence and biophysical properties (such as structural, functional, and spatial information, amino acid conservation, physicochemical variation, residue mobility, and thermodynamic stability) performed at Invitae indicates that this missense variant is expected to disrupt PMS2 protein function with a positive predictive value of 80%. In summary, the available evidence is currently insufficient to determine the role of this variant in disease. Therefore, it has been classified as a Variant of Uncertain Significance.

Ambry Genetics
Classification: Uncertain significance for Hereditary cancer-predisposing syndrome. Last evaluated: 2022-06-17. Review status: criteria provided, single submitter. Criteria: Ambry Variant Classification Scheme 2023. Collection method: clinical testing. Allele origin: germline.
Comment: The p.I92S variant (also known as c.275T>G), located in coding exon 4 of the PMS2 gene, results from a T to G substitution at nucleotide position 275. The isoleucine at codon 92 is replaced by serine, an amino acid with dissimilar properties. This amino acid position is conserved. In addition, this alteration is predicted to be deleterious by in silico analysis. Since supporting evidence is limited at this time, the clinical significance of this alteration remains unclear.

NM_000535.7(PMS2):c.275T>G (p.Ile92Ser)

Gene: PMS2 (PMS1 homolog 2, mismatch repair system component; minus strand). Cytogenetic location: 7p22.1.
Variant type: single nucleotide variant.
Coding change: c.275T>G on transcript NM_000535.7 (MANE Select); coding-DNA position 275, T replaced by G.
Protein change: p.Ile92Ser; replaces isoleucine 92 with serine.
Molecular consequence: missense variant. On other transcripts: 5 prime UTR variant (9), non-coding transcript variant (1), intron variant (2).
Genome position (GRCh38, 1-based): chr7:6,003,768, A>C on the plus strand (T>G on the coding strand, the complement: PMS2 is on the minus strand). VCF-style: chr7-6003768-A-C. GRCh37 (hg19) VCF-style: chr7-6043399-A-C.
Other names: c.-131T>G (NM_001322003.2, NM_001322004.2, NM_001322005.2 and 3 more transcripts); c.275T>G, p.Ile92Ser (NM_001322006.2, NM_001322014.2); c.-610T>G (NM_001322011.2, NM_001322012.2); c.-210T>G (NM_001322015.2); c.35+204T>G (NM_001322008.2, NM_001322007.2); short protein forms I92S.
Identifiers: ClinVar variation 455708 (VCV000455708.12), dbSNP rs1554304738, ClinGen allele CA366744680.